The following is an entry in ClinVar:

ClinVar aggregate classification (germline): Pathogenic (0 of 4 stars; one submission).

Conditions:
Fanconi anemia complementation group A (FANCA). Also called: Fanconi anemia, group A; FANCA-Related Fanconi Anemia. Identifiers: Orphanet 84, MedGen C3469521, MONDO:0009215, OMIM 227650.

Submission:

Leiden Open Variation Database
Classification: Pathogenic for Fanconi anemia complementation group A. Last evaluated: 2020-02-28. Review status: no assertion criteria provided. Collection method: curation. Allele origin: germline. Affected: yes.
Comment: Curator: Arleen D. Auerbach. Submitter to LOVD: Arleen D. Auerbach.

Literature cited by the submitters: PubMed 25168418.

NC_000016.10:g.(89792548_89795905)_(89805393_89808293)del

Gene: FANCA (FA complementation group A; minus strand). Cytogenetic location: 16q24.3.
Variant type: Deletion.
Identifiers: ClinVar variation 974291 (VCV000974291.1).